The following is an entry in ClinVar:

NM_002332.3(LRP1):c.1228-7G>A

Gene: LRP1 (LDL receptor related protein 1; plus strand). Cytogenetic location: 12q13.3.
Variant type: single nucleotide variant.
Coding change: c.1228-7G>A on transcript NM_002332.3 (MANE Select); 7 bases into the intron before coding-DNA position 1228, G replaced by A.
Molecular consequence: intron variant.
Genome position (GRCh38, 1-based): chr12:57,156,087, G>A. VCF-style: chr12-57156087-G-A. GRCh37 (hg19) VCF-style: chr12-57549870-G-A.
Identifiers: ClinVar variation 3045468 (VCV003045468.2), dbSNP rs202223953, ClinGen allele CA6642501.

ClinVar aggregate classification (germline): Likely benign (0 of 4 stars; one submission).

Conditions:
LRP1-related disorder. Also called: LRP1-related condition.

Allele frequency attached by ClinVar (database versions not stated): ExAC 0.00027; gnomAD 0.00029; TOPMed 0.00033; gnomAD exomes 0.00045; ESP Exome Variant Server 0.00054; 1000 Genomes Project 0.00060; 1000 Genomes Project 30x 0.00094.
gnomAD v4.1: 681 of 1,612,654 alleles (0.042%); highest among the groups gnomAD compares: Non-Finnish European, 0.055%; no homozygotes.

Submission:

PreventionGenetics, part of Exact Sciences
Classification: Likely benign for LRP1-related condition. Last evaluated: 2019-10-28. Review status: no assertion criteria provided. Collection method: clinical testing. Allele origin: germline.
Comment: This variant is classified as likely benign based on ACMG/AMP sequence variant interpretation guidelines (Richards et al. 2015 PMID: 25741868, with internal and published modifications).